The following is an entry in ClinVar:

NM_001365715.1(LRCH3):c.2209-2922C>G

Gene: LRCH3 (leucine rich repeats and calponin homology domain containing 3; plus strand). Cytogenetic location: 3q29.
Variant type: single nucleotide variant.
Coding change: c.2209-2922C>G on transcript NM_001365715.1 (MANE Select); 2922 bases into the intron before coding-DNA position 2209, C replaced by G.
Molecular consequence: intron variant. On other transcripts: synonymous variant (2), non-coding transcript variant (1).
Genome position (GRCh38, 1-based): chr3:197,880,619, C>G. VCF-style: chr3-197880619-C-G. GRCh37 (hg19) VCF-style: chr3-197607490-C-G.
Other names: c.2316C>G, p.Val772= (NM_001363887.1); c.2208C>G, p.Val736= (NM_001365716.1); c.2101-2922C>G (NM_001365718.1); c.2137-2922C>G (NM_001365717.1).
Identifiers: ClinVar variation 3048849 (VCV003048849.2), dbSNP rs1346288310, ClinGen allele CA437863717.

ClinVar aggregate classification (germline): Likely benign (0 of 4 stars; one submission).

Conditions:
LRCH3-related disorder. Also called: LRCH3-related condition.

Allele frequency attached by ClinVar (database versions not stated): TOPMed below 0.00001.

Submission:

PreventionGenetics, part of Exact Sciences
Classification: Likely benign for LRCH3-related condition. Last evaluated: 2022-10-17. Review status: no assertion criteria provided. Collection method: clinical testing. Allele origin: germline.
Comment: This variant is classified as likely benign based on ACMG/AMP sequence variant interpretation guidelines (Richards et al. 2015 PMID: 25741868, with internal and published modifications).